The following is an entry in ClinVar:

ClinVar aggregate classification (germline): Uncertain significance (1 of 4 stars; one submission).

Submission:

Clinical Genomics Laboratory, Laboratory for Precision Diagnostics, University of Washington
Classification: Uncertain significance. Last evaluated: 2018-03-09. Review status: criteria provided, single submitter. Criteria: Clinical Cytogenomics Laboratory Policy on CNV Interpretation. Collection method: clinical testing. Allele origin: unknown. Affected: yes. Observed: 1 variant allele.

GRCh37/hg19 18q21.2(chr18:51802787-53000275)x3

Genes: C18orf54 (chromosome 18 open reading frame 54; plus strand), CCDC68 (coiled-coil domain containing 68; minus strand), DYNAP (dynactin associated protein; plus strand), POLI (DNA polymerase iota; plus strand), RAB27B (RAB27B, member RAS oncogene family; plus strand) and 2 more. Cytogenetic location: 18q21.2.
Variant type: copy number gain.
Change: copy number 3 (three copies instead of two) of chr18:51,802,787-53,000,275 (1.20 Mb, GRCh37 coordinates, 1-based), cytogenetic band 18q21.2.
Identifiers: ClinVar variation 816501 (VCV000816501.2).